The following is an entry in ClinVar:

NM_173728.4(ARHGEF15):c.357C>T (p.Pro119=)

Gene: ARHGEF15 (Rho guanine nucleotide exchange factor 15; plus strand). Cytogenetic location: 17p13.1.
Variant type: single nucleotide variant.
Coding change: c.357C>T on transcript NM_173728.4 (MANE Select); coding-DNA position 357, C replaced by T.
Protein change: p.Pro119=; no amino-acid change (proline 119 retained).
Molecular consequence: synonymous variant.
Genome position (GRCh38, 1-based): chr17:8,312,396, C>T. VCF-style: chr17-8312396-C-T. GRCh37 (hg19) VCF-style: chr17-8215714-C-T.
Other names: c.357C>T, p.Pro119= (NM_025014.2).
Identifiers: ClinVar variation 2717466 (VCV002717466.5), dbSNP rs185403108, ClinGen allele CA287568056.

ClinVar aggregate classification (germline): Likely benign. Review status: criteria provided, single submitter (1 of 4 stars). 2 submissions from 2 submitters: Likely benign (1). 1 of the submissions does not count toward it. Last evaluated 2024-10-24.

Conditions:
Early-infantile DEE. Also called: Early infantile epileptic encephalopathy with suppression bursts; Early infantile epileptic encephalopathy; Ohtahara syndrome. Identifiers: Orphanet 1934, MedGen C0393706, MONDO:0800491.
ARHGEF15-related disorder. Also called: ARHGEF15-related condition.

Allele frequency attached by ClinVar (database versions not stated): gnomAD exomes 0.00001; gnomAD 0.00002; TOPMed 0.00003; 1000 Genomes Project 30x 0.00016; 1000 Genomes Project 0.00020.
gnomAD v4.1: 15 of 1,612,268 alleles (0.00093%); highest among the groups gnomAD compares: Middle Eastern, 0.017%; no homozygotes.

Submissions (2):

Labcorp Genetics (formerly Invitae), Labcorp
Classification: Likely benign for Early-infantile DEE. Last evaluated: 2024-10-24. Review status: criteria provided, single submitter. Criteria: Invitae Variant Classification Sherloc (09022015). Collection method: clinical testing. Allele origin: germline.

PreventionGenetics, part of Exact Sciences
Classification: Likely benign for ARHGEF15-related condition. Last evaluated: 2019-06-17. Review status: no assertion criteria provided. Collection method: clinical testing. Allele origin: germline. Not counted in ClinVar's aggregate classification.
Comment: This variant is classified as likely benign based on ACMG/AMP sequence variant interpretation guidelines (Richards et al. 2015 PMID: 25741868, with internal and published modifications).